The following is an entry in ClinVar:

NM_002617.4(PEX10):c.695T>C (p.Met232Thr)

Gene: PEX10 (peroxisomal biogenesis factor 10; minus strand). Cytogenetic location: 1p36.32.
Variant type: single nucleotide variant.
Coding change: c.695T>C on transcript NM_002617.4 (MANE Select); coding-DNA position 695, T replaced by C.
Protein change: p.Met232Thr; replaces methionine 232 with threonine.
Molecular consequence: missense variant. On other transcripts: non-coding transcript variant (1).
Genome position (GRCh38, 1-based): chr1:2,406,801, A>G on the plus strand (T>C on the coding strand, the complement: PEX10 is on the minus strand). VCF-style: chr1-2406801-A-G. GRCh37 (hg19) VCF-style: chr1-2338240-A-G.
Other names: p.Met252Thr; c.752T>C, p.Met251Thr (NM_001374425.1); c.320T>C, p.Met107Thr (NM_001374426.1); c.263T>C, p.Met88Thr (NM_001374427.1); c.755T>C, p.Met252Thr (NM_153818.2); c.755T>C (NM_153818.1); short protein forms M107T, M232T, M88T, M251T, M252T.
Identifiers: ClinVar variation 2198934 (VCV002198934.3), dbSNP rs766750402, ClinGen allele CA538066.

ClinVar aggregate classification (germline): Uncertain significance. Review status: criteria provided, multiple submitters, no conflicts (2 of 4 stars). 3 submissions from 3 submitters: Uncertain significance (3). Last evaluated 2025-02-12.

Conditions:
Inborn genetic diseases. Identifiers: MedGen C0950123, MeSH D030342.
Peroxisome biogenesis disorder, complementation group 7 (CG7). Also called: Peroxisome biogenesis disorder, complementation group B. Identifiers: MedGen C1864399.

Allele frequency attached by ClinVar (database versions not stated): gnomAD exomes 0.00001; TOPMed 0.00001; ExAC 0.00003.

Submissions (3):

Ambry Genetics
Classification: Uncertain significance for Inborn genetic diseases. Last evaluated: 2025-02-12. Review status: criteria provided, single submitter. Criteria: Ambry Variant Classification Scheme 2023. Collection method: clinical testing. Allele origin: germline.

Mayo Clinic Laboratories, Mayo Clinic
Classification: Uncertain significance. Last evaluated: 2024-04-09. Review status: criteria provided, single submitter. Criteria: ACMG Guidelines, 2015. Collection method: clinical testing. Allele origin: germline. Observed: 1 variant allele.
Comment: BP4

Labcorp Genetics (formerly Invitae), Labcorp
Classification: Uncertain significance for Peroxisome biogenesis disorder, complementation group 7. Last evaluated: 2022-04-21. Review status: criteria provided, single submitter. Criteria: Invitae Variant Classification Sherloc (09022015). Collection method: clinical testing. Allele origin: germline.
Comment: This sequence change replaces methionine, which is neutral and non-polar, with threonine, which is neutral and polar, at codon 252 of the PEX10 protein (p.Met252Thr). This variant is present in population databases (rs766750402, gnomAD 0.006%). This variant has not been reported in the literature in individuals affected with PEX10-related conditions. Algorithms developed to predict the effect of missense changes on protein structure and function (SIFT, PolyPhen-2, Align-GVGD) all suggest that this variant is likely to be tolerated. In summary, the available evidence is currently insufficient to determine the role of this variant in disease. Therefore, it has been classified as a Variant of Uncertain Significance.